The following is an entry in ClinVar:

NM_006757.4(TNNT3):c.574G>T (p.Gly192Cys)

Gene: TNNT3 (troponin T3, fast skeletal type; plus strand). Cytogenetic location: 11p15.5.
Variant type: single nucleotide variant.
Coding change: c.574G>T on transcript NM_006757.4 (MANE Select); coding-DNA position 574, G replaced by T.
Protein change: p.Gly192Cys; replaces glycine 192 with cysteine.
Molecular consequence: missense variant.
Genome position (GRCh38, 1-based): chr11:1,934,639, G>T. VCF-style: chr11-1934639-G-T. GRCh37 (hg19) VCF-style: chr11-1955869-G-T.
Other names: c.550G>T, p.Gly184Cys (NM_001042780.3, NM_001042782.3, NM_001297646.2 and 2 more transcripts); c.568G>T, p.Gly190Cys (NM_001042781.3, NM_001367842.1, NM_001367843.1); c.583G>T, p.Gly195Cys (NM_001363561.2, NM_001367847.1); c.607G>T, p.Gly203Cys (NM_001367846.1); c.571G>T, p.Gly191Cys (NM_001367848.1); c.562G>T, p.Gly188Cys (NM_001367849.1); c.517G>T, p.Gly173Cys (NM_001367850.1); c.370G>T, p.Gly124Cys (NM_001367851.1, NM_001367852.1); short protein forms G173C, G184C, G188C, G124C, G190C, G191C, G203C, G192C.
Identifiers: ClinVar variation 1522177 (VCV001522177.6), dbSNP rs2133472038, ClinGen allele CA379098755.

ClinVar aggregate classification (germline): Uncertain significance (1 of 4 stars; one submission).

gnomAD v4.1: 3 of 1,609,408 alleles (0.00019%); highest among the groups gnomAD compares: South Asian, 0.0011%; no homozygotes.

Submission:

Labcorp Genetics (formerly Invitae), Labcorp
Classification: Uncertain significance. Last evaluated: 2023-08-17. Review status: criteria provided, single submitter. Criteria: Invitae Variant Classification Sherloc (09022015). Collection method: clinical testing. Allele origin: germline.
Comment: In summary, the available evidence is currently insufficient to determine the role of this variant in disease. Therefore, it has been classified as a Variant of Uncertain Significance. An algorithm developed to predict the effect of missense changes on protein structure and function (PolyPhen-2) suggests that this variant is likely to be disruptive. ClinVar contains an entry for this variant (Variation ID: 1522177). This variant has not been reported in the literature in individuals affected with TNNT3-related conditions. This variant is not present in population databases (gnomAD no frequency). This sequence change replaces glycine, which is neutral and non-polar, with cysteine, which is neutral and slightly polar, at codon 192 of the TNNT3 protein (p.Gly192Cys).